The following is an entry in ClinVar:

NC_000005.10:g.112707353dup

Gene: APC (APC regulator of Wnt signaling pathway; plus strand). Cytogenetic location: 5q22.2.
Variant type: Duplication.
Genome position: GRCh38 VCF-style: chr5-112707352-G-GA. GRCh37 (hg19) VCF-style: chr5-112043049-G-GA.
Identifiers: ClinVar variation 652540 (VCV000652540.10), dbSNP rs1580995299, ClinGen allele CA915943565.

ClinVar aggregate classification (germline): Uncertain significance (1 of 4 stars; one submission).

Conditions:
Familial adenomatous polyposis 1 (FAP1). Also called: FAMILIAL ADENOMATOUS POLYPOSIS 1, ATTENUATED; POLYPOSIS, ADENOMATOUS INTESTINAL. Identifiers: MedGen C2713442, MONDO:0021056, OMIM 175100. Disease mechanism: loss of function.

Submission:

Labcorp Genetics (formerly Invitae), Labcorp
Classification: Uncertain significance for Familial adenomatous polyposis 1. Last evaluated: 2018-11-18. Review status: criteria provided, single submitter. Criteria: Invitae Variant Classification Sherloc (09022015). Collection method: clinical testing. Allele origin: germline.
Comment: In summary, the available evidence is currently insufficient to determine the role of this variant in disease. Therefore, it has been classified as a Variant of Uncertain Significance. Experimental studies and prediction algorithms are not available for this variant, and the functional significance of the affected amino acid(s) is currently unknown. This variant has not been reported in the literature in individuals with APC-related disease. The frequency data for this variant in the population databases is considered unreliable, as metrics indicate insufficient coverage at this position in the ExAC database. This variant occurs in a non-coding region of the APC gene. It does not change the encoded amino acid sequence of the APC protein.